The following is an entry in ClinVar:

NM_000018.4(ACADVL):c.1908dup (p.Ile637fs)

Gene: ACADVL (acyl-CoA dehydrogenase very long chain; plus strand). Cytogenetic location: 17p13.1.
Variant type: Duplication.
Coding change: c.1908dup on transcript NM_000018.4 (MANE Select); coding-DNA position 1908, one base duplicated (C; older notation c.1908dupC).
Protein change: p.Ile637fs; shifts the reading frame from isoleucine 637.
Molecular consequence: frameshift variant.
Genome position (GRCh38, 1-based): chr17:7,225,037, C duplicated. VCF-style (leftmost placement, unchanged base first): chr17-7225036-G-GC. GRCh37 (hg19) VCF-style: chr17-7128355-G-GC.
Other names: c.1842dup, p.Ile615fs (NM_001033859.3); c.1977dup, p.Ile660fs (NM_001270447.2); c.1680dup, p.Ile561fs (NM_001270448.2); c.1908dupC (NM_000018.3); short protein forms I637fs, I615fs, I660fs, I561fs.
Identifiers: ClinVar variation 557233 (VCV000557233.8), dbSNP rs1555529204, ClinGen allele CA658824187.
Genomic context (GRCh38, chr17:7,225,036, plus strand): 5'-AGGGCATGGCCGCCCTGCAGTCTGACCCCTGGCAGCAAGAGCTCTACCGCAACTTCAAAA[G>GC]CATCTCCAAGGCCTTGGTGGAGCGGGGTGGTGTGGTCACCAGCAACCCACTTGGCTTCTG-3'

ClinVar aggregate classification (germline): Conflicting classifications of pathogenicity. Review status: criteria provided, conflicting classifications (1 of 4 stars). 5 submissions from 5 submitters: Pathogenic (1); Likely pathogenic (2); Uncertain significance (1). 1 of the submissions does not count toward it. Last evaluated 2025-08-04.

Conditions:
Very long chain acyl-CoA dehydrogenase deficiency (ACADVLD). Also called: VLCAD Deficiency; Very Long-Chain Acyl-Coenzyme A Dehydrogenase Deficiency. Identifiers: Orphanet 26793, MedGen C3887523, MONDO:0008723, OMIM 201475.

Submissions (5):

Natera, Inc.
Classification: Likely pathogenic for Very long chain acyl-CoA dehydrogenase deficiency. Last evaluated: 2025-08-04. Review status: criteria provided, single submitter. Criteria: Natera Variant Classification Schema (03/2026). Collection method: clinical testing. Allele origin: germline.
Comment: The c.1908dupC variant in ACADVL is a frameshift variant predicted to elongate the protein beyond the termination codon. This variant is expected to result in nonsense mediated decay, truncation, or a dysfunctional protein product. This variant is rare in the general population with a frequency below the threshold expected for the associated phenotype(s). Given the available evidence, this variant is classified as Likely Pathogenic.

ARUP Laboratories, Molecular Genetics and Genomics, ARUP Laboratories
Classification: Uncertain significance for Very long chain acyl-CoA dehydrogenase deficiency. Last evaluated: 2025-06-20. Review status: criteria provided, single submitter. Criteria: ARUP Molecular Germline Variant Investigation Process 2024. Collection method: clinical testing. Allele origin: germline.
Comment: The ACADVL c.1908dup; p.Ile637HisfsTer53 variant (rs1555529204), to our knowledge, is not reported in the medical literature but is reported in ClinVar (Variation ID: 557233). This variant is also absent from the Genome Aggregation Database (v2.1.1), indicating it is not a common polymorphism. This variant results in a premature termination codon in the last exon of the ACADVL gene. While this may not lead to nonsense-mediated decay, it is expected to create a truncated protein that would include a sequence of 52 amino acid residues not usually present. However, given the lack of clinical and functional data, the significance of this variant is uncertain at this time.

Labcorp Genetics (formerly Invitae), Labcorp
Classification: Pathogenic for Very long chain acyl-CoA dehydrogenase deficiency. Last evaluated: 2024-07-03. Review status: criteria provided, single submitter. Criteria: Invitae Variant Classification Sherloc (09022015). Collection method: clinical testing. Allele origin: germline.
Comment: This sequence change results in a frameshift in the ACADVL gene (p.Ile637Hisfs*53). While this is not anticipated to result in nonsense mediated decay, it is expected to disrupt the last 19 amino acid(s) of the ACADVL protein and extend the protein by 33 additional amino acid residues. This variant is not present in population databases (gnomAD no frequency). This variant has not been reported in the literature in individuals affected with ACADVL-related conditions. ClinVar contains an entry for this variant (Variation ID: 557233). This variant disrupts a region of the ACADVL protein in which other variant(s) (p.Val642Met) have been determined to be pathogenic (PMID: 31031081). This suggests that this is a clinically significant region of the protein, and that variants that disrupt it are likely to be disease-causing. For these reasons, this variant has been classified as Pathogenic.

Women's Health and Genetics/Laboratory Corporation of America, LabCorp
Classification: Likely pathogenic for Very long chain acyl-CoA dehydrogenase deficiency. Last evaluated: 2023-02-08. Review status: criteria provided, single submitter. Criteria: LabCorp Variant Classification Summary - May 2015. Collection method: clinical testing. Allele origin: germline.
Comment: Variant summary: ACADVL c.1908dupC (p.Ile637HisfsX53) causes a frameshift located in the last exon, therefore it is not expected to cause nonsense mediated decay (NMD), but is predicted to cause a truncation of the encoded protein, removing a part of the 655 amino acid long protein, and replacing it with an incorrect sequence, ultimately resulting in an extension of the protein. The variant was absent in 251410 control chromosomes (gnomAD). To our knowledge, no occurrence of c.1908dupC in individuals affected with Very Long Chain Acyl-CoA Dehydrogenase Deficiency and no experimental evidence demonstrating its impact on protein function have been reported. At least one truncating variant downstream from this position (c.1918_1921delGCCT / p.Ala640Trpfs*39) has been reported in an affected individual (who carried a pathogenic second variant), and patient derived skin fibroblasts were demonstrated to have >90% fatty acid oxidation (FAO) deficiency compared to control cells (PMID: 20060901). One clinical diagnostic laboratory has submitted clinical-significance assessments for this variant to ClinVar after 2014 without evidence for independent evaluation, and classified it as likely pathogenic. Based on the evidence outlined above, the variant was classified as likely pathogenic.

Counsyl
Classification: Likely pathogenic for Very long chain acyl-CoA dehydrogenase deficiency. Last evaluated: 2018-03-13. Review status: no assertion criteria provided. Collection method: clinical testing. Allele origin: unknown. Not counted in ClinVar's aggregate classification.

Literature cited by the submitters: PubMed 31031081 (cited by Labcorp Genetics (formerly Invitae), Labcorp).